The following is an entry in ClinVar:

ClinVar aggregate classification (germline): Likely benign (1 of 4 stars; one submission).

Submission:

CeGaT Center for Human Genetics Tuebingen
Classification: Likely benign. Last evaluated: 2024-12-01. Review status: criteria provided, single submitter. Criteria: CeGaT Center For Human Genetics Tuebingen Variant Classification Criteria Version 2. Collection method: clinical testing. Allele origin: germline. Affected: yes. Observed: 1 variant allele.
Comment: CHEK2: BP4, BP7

NM_007194.4(CHEK2):c.319+3928C>T

Gene: CHEK2 (checkpoint kinase 2; minus strand). Cytogenetic location: 22q12.1.
Variant type: single nucleotide variant.
Coding change: c.319+3928C>T on transcript NM_007194.4 (MANE Select); 3928 bases into the intron after coding-DNA position 319, C replaced by T.
Molecular consequence: intron variant. On other transcripts: synonymous variant (4).
Genome position (GRCh38, 1-based): chr22:28,730,475, G>A on the plus strand (C>T on the coding strand, the complement: CHEK2 is on the minus strand). VCF-style: chr22-28730475-G-A. GRCh37 (hg19) VCF-style: chr22-29126463-G-A.
Other names: c.393C>T, p.Ser131= (NM_001005735.3, NM_001438293.1, NM_001438294.1 and 1 more transcripts); c.-344-5108C>T (NM_001437942.1); c.319+3928C>T (NM_001349956.3, NM_145862.3); c.-459+3928C>T (NM_001257387.3).
Identifiers: ClinVar variation 3771324 (VCV003771324.13).